The following is an entry in ClinVar:

ClinVar aggregate classification (germline): Uncertain significance (1 of 4 stars; one submission).

Conditions:
Neuropathy, hereditary sensory, type 1F. Also called: Hereditary sensory neuropathy type IF; HSN IF. Identifiers: Orphanet 36386, MedGen C3810194, MONDO:0014286, OMIM 615632.

gnomAD v4.1: 2 of 1,614,216 alleles (0.00012%); highest among the groups gnomAD compares: Non-Finnish European, 0.00017%; no homozygotes.

Submission:

Labcorp Genetics (formerly Invitae), Labcorp
Classification: Uncertain significance for Neuropathy, hereditary sensory, type 1F. Last evaluated: 2025-03-20. Review status: criteria provided, single submitter. Criteria: Invitae Variant Classification Sherloc (09022015). Collection method: clinical testing. Allele origin: germline.
Comment: This sequence change replaces asparagine, which is neutral and polar, with aspartic acid, which is acidic and polar, at codon 432 of the ATL3 protein (p.Asn432Asp). This variant is not present in population databases (gnomAD no frequency). This variant has not been reported in the literature in individuals affected with ATL3-related conditions. Invitae Evidence Modeling of protein sequence and biophysical properties (such as structural, functional, and spatial information, amino acid conservation, physicochemical variation, residue mobility, and thermodynamic stability) indicates that this missense variant is expected to disrupt ATL3 protein function with a positive predictive value of 80%. In summary, the available evidence is currently insufficient to determine the role of this variant in disease. Therefore, it has been classified as a Variant of Uncertain Significance.

NM_015459.5(ATL3):c.1294A>G (p.Asn432Asp)

Genes: ATL3 (atlastin GTPase 3; minus strand), LNCROPM (lncRNA regulator of PLAAT3 mediated phospholipid metabolism; plus strand), LOC126861231 (CDK7 strongly-dependent group 2 enhancer GRCh37_chr11:63398741-63399940; plus strand). Cytogenetic location: 11q13.1.
Variant type: single nucleotide variant.
Coding change: c.1294A>G on transcript NM_015459.5 (MANE Select); coding-DNA position 1294, A replaced by G.
Protein change: p.Asn432Asp; replaces asparagine 432 with aspartic acid.
Molecular consequence: missense variant.
Genome position (GRCh38, 1-based): chr11:63,631,285, T>C on the plus strand (A>G on the coding strand, the complement: ATL3 is on the minus strand). VCF-style: chr11-63631285-T-C. GRCh37 (hg19) VCF-style: chr11-63398757-T-C.
Other names: c.1240A>G, p.Asn414Asp (NM_001290048.2); c.1243A>G, p.Asn415Asp (NM_001440716.1); c.1237A>G, p.Asn413Asp (NM_001440717.1); c.1222A>G, p.Asn408Asp (NM_001440718.1); c.1189A>G, p.Asn397Asp (NM_001440719.1); c.1183A>G, p.Asn395Asp (NM_001440720.1); c.1138A>G, p.Asn380Asp (NM_001440721.1); c.1081A>G, p.Asn361Asp (NM_001440722.1); short protein forms N408D, N415D, N432D, N380D, N395D, N414D, N361D, N413D.
Identifiers: ClinVar variation 4771489 (VCV004771489.1).